The following is an entry in ClinVar:

ClinVar aggregate classification (germline): Likely pathogenic (1 of 4 stars; one submission).

Conditions:
Megacystis-microcolon-intestinal hypoperistalsis syndrome 5. Identifiers: MedGen C5543636, MONDO:0030329, OMIM 619431.

Submission:

Genetics and Molecular Pathology, SA Pathology
Classification: Likely pathogenic for Megacystis-microcolon-intestinal hypoperistalsis syndrome 5. Last evaluated: 2022-07-06. Review status: criteria provided, single submitter. Criteria: ACMG Guidelines, 2015. Collection method: clinical testing. Allele origin: germline. Inheritance: Autosomal dominant inheritance. Affected: yes.
Comment: The ACTG2 c.593G>T variant is classified as Likely Pathogenic (PM1, PM2, PM5, PP3, PM6) The ACTG2 c.593G>T variant is a single nucleotide change in exon 6/9 of the ACTG2 gene, which is predicted to change the amino acid glycine at position 198 in the protein to valine. This variant is located in the highly conserved ATPASE nucleotide binding domain (PM1). This variant is absent from population databases (PM2). This variant is a novel missense change at an amino acid residue where a different missense change has been seen before (PM5). Computational predictions support a deleterious effect on the gene or gene product (PP3). Parental segregation testing has shown that this variant is de novo (PM6). This variant has not been reported in dbSNP, ClinVar or HGMD.

NM_001615.4(ACTG2):c.593G>T (p.Gly198Val)

Gene: ACTG2 (actin gamma 2, smooth muscle; plus strand). Cytogenetic location: 2p13.1.
Variant type: single nucleotide variant.
Coding change: c.593G>T on transcript NM_001615.4 (MANE Select); coding-DNA position 593, G replaced by T.
Protein change: p.Gly198Val; replaces glycine 198 with valine.
Molecular consequence: missense variant.
Genome position (GRCh38, 1-based): chr2:73,913,626, G>T. VCF-style: chr2-73913626-G-T. GRCh37 (hg19) VCF-style: chr2-74140753-G-T.
Other names: c.464G>T, p.Gly155Val (NM_001199893.2); short protein forms G155V, G198V.
Identifiers: ClinVar variation 1803217 (VCV001803217.1), dbSNP rs864309492, ClinGen allele CA347304042.